The following is an entry in ClinVar:

ClinVar aggregate classification (germline): Benign. Review status: criteria provided, multiple submitters, no conflicts (2 of 4 stars). 2 submissions from 2 submitters: Benign (2). Last evaluated 2025-07-20.

Conditions:
Dent disease type 1 (DENT1). Also called: NEPHROLITHIASIS 2; NEPHROLITHIASIS, HYPERCALCIURIC, X-LINKED. Identifiers: Orphanet 1652, Orphanet 93622, MedGen C1848336, MONDO:0010225, OMIM 300009.

Allele frequency attached by ClinVar (database versions not stated): gnomAD 0.00004; gnomAD exomes 0.00004 and 0.00009; TOPMed 0.00006; ExAC 0.00008.
gnomAD v4.1: 44 of 1,206,234 alleles (0.0036%); highest among the groups gnomAD compares: East Asian, 0.071%; no homozygotes.

Submissions (2):

Labcorp Genetics (formerly Invitae), Labcorp
Classification: Benign. Last evaluated: 2025-07-20. Review status: criteria provided, single submitter. Criteria: Invitae Variant Classification Sherloc (09022015). Collection method: clinical testing. Allele origin: germline.

Illumina Laboratory Services, Illumina
Classification: Benign for Dent disease type 1. Last evaluated: 2017-04-27. Review status: criteria provided, single submitter. Criteria: ICSL Variant Classification Criteria 13 December 2019. Collection method: clinical testing. Allele origin: germline.
Comment: This variant was observed as part of a predisposition screen in an ostensibly healthy population. A literature search was performed for the gene, cDNA change, and amino acid change (where applicable). No publications were found based on this search. Allele frequency data from public databases was too high to be consistent with this variant causing disease. Therefore, this variant is classified as benign.

NM_001127898.4(CLCN5):c.942G>A (p.Ser314=)

Gene: CLCN5 (Cl-/H+ antiporter 5; plus strand). Cytogenetic location: Xp11.23.
Variant type: single nucleotide variant.
Coding change: c.942G>A on transcript NM_001127898.4 (MANE Select); coding-DNA position 942, G replaced by A.
Protein change: p.Ser314=; no amino-acid change (serine 314 retained).
Molecular consequence: synonymous variant.
Genome position (GRCh38, 1-based): chrX:50,085,988, G>A. VCF-style: chrX-50085988-G-A. GRCh37 (hg19) VCF-style: chrX-49850645-G-A.
Other names: c.732G>A, p.Ser244= (NM_000084.5); c.942G>A, p.Ser314= (NM_001127899.4); c.792G>A, p.Ser264= (NM_001282163.2).
Identifiers: ClinVar variation 912974 (VCV000912974.8), dbSNP rs782320623, ClinGen allele CA10413819.
Genomic context (GRCh38, chrX:50,085,988, plus strand): 5'-GATTGAGGAAAGCAGCATTATTCTGTCACTAATTCTGAGTTTTGGATTTTAGGTCTTGTC[G>A]GCTGCAGCAGCAGCTGGTGTATCTGTAGCCTTTGGAGCACCTATAGGTGGAGTATTATTC-3'
Protein context (NP_001121370.1, residues 304-324): KNEAKRREVL[Ser314=]AAAAAGVSVA